The following is an entry in ClinVar:

NM_000553.6(WRN):c.1162G>A (p.Glu388Lys)

Gene: WRN (WRN RecQ like helicase; plus strand). Cytogenetic location: 8p12.
Variant type: single nucleotide variant.
Coding change: c.1162G>A on transcript NM_000553.6 (MANE Select); coding-DNA position 1162, G replaced by A.
Protein change: p.Glu388Lys; replaces glutamic acid 388 with lysine.
Molecular consequence: missense variant.
Genome position (GRCh38, 1-based): chr8:31,081,189, G>A. VCF-style: chr8-31081189-G-A. GRCh37 (hg19) VCF-style: chr8-30938705-G-A.
Other names: short protein forms E388K.
Identifiers: ClinVar variation 404006 (VCV000404006.6), dbSNP rs1060500067, ClinGen allele CA4704258.

ClinVar aggregate classification (germline): Uncertain significance (1 of 4 stars; one submission).

Conditions:
Werner syndrome (WRN). Identifiers: Orphanet 902, MedGen C0043119, MONDO:0010196, OMIM 277700.

Allele frequency attached by ClinVar (database versions not stated): gnomAD 0.00001; gnomAD exomes 0.00001; TOPMed 0.00001; ExAC 0.00002.
gnomAD v4.1: 10 of 1,613,904 alleles (0.00062%); highest among the groups gnomAD compares: Admixed American, 0.0017%; no homozygotes.

Submission:

Labcorp Genetics (formerly Invitae), Labcorp
Classification: Uncertain significance for Werner syndrome. Last evaluated: 2023-12-07. Review status: criteria provided, single submitter. Criteria: Invitae Variant Classification Sherloc (09022015). Collection method: clinical testing. Allele origin: germline.
Comment: This sequence change replaces glutamic acid, which is acidic and polar, with lysine, which is basic and polar, at codon 388 of the WRN protein (p.Glu388Lys). This variant is present in population databases (no rsID available, gnomAD 0.003%). This variant has not been reported in the literature in individuals affected with WRN-related conditions. ClinVar contains an entry for this variant (Variation ID: 404006). Algorithms developed to predict the effect of missense changes on protein structure and function output the following: SIFT: "Not Available"; PolyPhen-2: "Benign"; Align-GVGD: "Not Available". The lysine amino acid residue is found in multiple mammalian species, which suggests that this missense change does not adversely affect protein function. In summary, the available evidence is currently insufficient to determine the role of this variant in disease. Therefore, it has been classified as a Variant of Uncertain Significance.